The following is an entry in ClinVar:

Single allele

Genes: CENPM (centromere protein M; minus strand), CERK (ceramide kinase; minus strand), POLDIP3 (DNA polymerase delta interacting protein 3; minus strand), PPARA (peroxisome proliferator activated receptor alpha; plus strand), PPP6R2 (protein phosphatase 6 regulatory subunit 2; plus strand) and 91 more. Cytogenetic location: 22q13.2-13.33.
Variant type: Deletion.
Identifiers: ClinVar variation 997819 (VCV000997819.1).

ClinVar aggregate classification (germline): Pathogenic (0 of 4 stars; one submission).

Conditions:
Intellectual disability. Also called: Intellectual functioning disability; intellectual disabilities; Intellectual developmental disorder. Identifiers: MedGen C3714756, MeSH D008607, MONDO:0001071, HP:0001249.

Submission:

Institute of Human Genetics, University of Leipzig Medical Center
Classification: Pathogenic for Intellectual disability. Last evaluated: 2021-02-25. Review status: no assertion criteria provided. Collection method: clinical testing. Allele origin: unknown. Inheritance: Autosomal dominant inheritance. Affected: yes. Observed: 1 variant allele, 1 heterozygote.
Comment: Inheritance was not applicable (heterozygous). The variant was reviewed according to current ClinGen recommendations and classified as Pathogenic (criteria: 1A(0), 2A(1), 3C(0.9), 4E(0.1), 5F(0), Total score=2).